The following is an entry in ClinVar:

ClinVar aggregate classification (germline): Pathogenic (1 of 4 stars; one submission).

Submission:

Labcorp Genetics (formerly Invitae), Labcorp
Classification: Pathogenic. Last evaluated: 2020-04-29. Review status: criteria provided, single submitter. Criteria: Invitae Variant Classification Sherloc (09022015). Collection method: clinical testing. Allele origin: germline.
Comment: For these reasons, this variant has been classified as Pathogenic. Loss-of-function variants in COL2A1 are known to be pathogenic (PMID: 20179744). This variant has not been reported in the literature in individuals with COL2A1-related conditions. This variant is not present in population databases (ExAC no frequency). This sequence change creates a premature translational stop signal (p.Cys1323Argfs*41) in the COL2A1 gene. It is expected to result in an absent or disrupted protein product.

Literature cited by the submitters: PubMed 20179744.

NM_001844.5(COL2A1):c.3966_3967del (p.Cys1323fs)

Gene: COL2A1 (collagen type II alpha 1 chain; minus strand). Cytogenetic location: 12q13.11.
Variant type: Deletion.
Coding change: c.3966_3967del on transcript NM_001844.5 (MANE Select); coding-DNA positions 3966 to 3967, 2 bases deleted (TT; older notation c.3966_3967delTT).
Protein change: p.Cys1323fs; shifts the reading frame from cysteine 1323.
Molecular consequence: frameshift variant.
Genome position (GRCh38, 1-based): chr12:47,974,782-47,974,783, AA deleted on the plus strand (TT on the coding strand, the reverse complement: COL2A1 is on the minus strand). VCF-style (leftmost placement, unchanged base first): chr12-47974781-CAA-C. GRCh37 (hg19) VCF-style: chr12-48368564-CAA-C.
Other names: c.3759_3760del, p.Cys1254fs (NM_033150.3); short protein forms C1254fs, C1323fs.
Identifiers: ClinVar variation 1069407 (VCV001069407.7), dbSNP rs2136508595, ClinGen allele CA2499221648.